The following is an entry in ClinVar:

NM_002294.3(LAMP2):c.449T>A (p.Leu150His)

Gene: LAMP2 (lysosome associated membrane protein 2; minus strand). Cytogenetic location: Xq24.
Variant type: single nucleotide variant.
Coding change: c.449T>A on transcript NM_002294.3 (MANE Select); coding-DNA position 449, T replaced by A.
Protein change: p.Leu150His; replaces leucine 150 with histidine.
Molecular consequence: missense variant.
Genome position (GRCh38, 1-based): chrX:120,449,077, A>T on the plus strand (T>A on the coding strand, the complement: LAMP2 is on the minus strand). VCF-style: chrX-120449077-A-T. GRCh37 (hg19) VCF-style: chrX-119582932-A-T.
Other names: c.449T>A, p.Leu150His (NM_001122606.1, NM_013995.2); short protein forms L150H.
Identifiers: ClinVar variation 2433397 (VCV002433397.27), dbSNP rs950013593, ClinGen allele CA335013567.

ClinVar aggregate classification (germline): Conflicting classifications of pathogenicity. Review status: criteria provided, conflicting classifications (1 of 4 stars). 2 submissions from 2 submitters: Uncertain significance (1); Likely benign (1). Last evaluated 2022-07-01.

Conditions:
Danon disease. Also called: ANTOPOL DISEASE; PSEUDOGLYCOGENOSIS II; GSD IIb; LYSOSOMAL GLYCOGEN STORAGE DISEASE WITHOUT ACID MALTASE DEFICIENCY; Glycogen Storage Disease Type IIb. Identifiers: Orphanet 34587, MedGen C0878677, MONDO:0010281, OMIM 300257.

Allele frequency attached by ClinVar (database versions not stated): gnomAD exomes below 0.00001; TOPMed 0.00001.
gnomAD v4.1: 3 of 1,204,442 alleles (0.00025%); highest among the groups gnomAD compares: South Asian, 0.0018%; no homozygotes.

Submissions (2):

CeGaT Center for Human Genetics Tuebingen
Classification: Likely benign. Last evaluated: 2022-07-01. Review status: criteria provided, single submitter. Criteria: CeGaT Center For Human Genetics Tuebingen Variant Classification Criteria Version 2. Collection method: clinical testing. Allele origin: germline. Affected: yes. Observed: 2 variant alleles.
Comment: LAMP2: BP4

Revvity Omics, Revvity
Classification: Uncertain significance for Danon disease. Last evaluated: 2019-03-18. Review status: criteria provided, single submitter. Criteria: ACMG Guidelines, 2015. Collection method: clinical testing. Allele origin: germline.